The following is an entry in ClinVar:

ClinVar aggregate classification (germline): Uncertain significance. Review status: criteria provided, multiple submitters, no conflicts (2 of 4 stars). 2 submissions from 2 submitters: Uncertain significance (2). Last evaluated 2019-07-17.

Conditions:
Cardiovascular phenotype. Identifiers: MedGen CN230736.
Long QT syndrome (LQTS). Identifiers: MedGen C0023976, MeSH D008133, MONDO:0002442. Disease mechanism: loss of function. Inheritance: Various modes of inheritance.

Allele frequency attached by ClinVar (database versions not stated): TOPMed 0.00001.
gnomAD v4.1: 2 of 1,530,302 alleles (0.00013%); highest among the groups gnomAD compares: Non-Finnish European, 0.00017%; no homozygotes.

Submissions (2):

Ambry Genetics
Classification: Uncertain significance for Cardiovascular phenotype. Last evaluated: 2019-07-17. Review status: criteria provided, single submitter. Criteria: Ambry Variant Classification Scheme 2023. Collection method: clinical testing. Allele origin: germline.
Comment: The p.T899R variant (also known as c.2696C>G), located in coding exon 12 of the KCNH2 gene, results from a C to G substitution at nucleotide position 2696. The threonine at codon 899 is replaced by arginine, an amino acid with similar properties. This amino acid position is poorly conserved in available vertebrate species. In addition, the in silico prediction for this alteration is inconclusive. Since supporting evidence is limited at this time, the clinical significance of this alteration remains unclear.

Labcorp Genetics (formerly Invitae), Labcorp
Classification: Uncertain significance for Long QT syndrome. Last evaluated: 2017-02-22. Review status: criteria provided, single submitter. Criteria: Invitae Variant Classification Sherloc (09022015). Collection method: clinical testing. Allele origin: germline.
Comment: While this variant is not present in population databases (no rs ID), the frequency information is unreliable, as metrics indicate poor data quality at this position in the ExAC database. This variant has not been reported in the literature in individuals with a KCNH2-related disease. This variant identified in the KCNH2 gene is located in the cytoplasmic C-terminal region of the resulting protein (PMID: 19841300, 25348405). It is unclear how this variant impacts the function of this protein. In summary, this variant is a novel missense change with uncertain impact on protein function. It has been classified as a Variant of Uncertain Significance. Algorithms developed to predict the effect of sequence changes on RNA splicing suggest that this variant may alter RNA splicing, but this prediction has not been confirmed by published transcriptional studies. Algorithms developed to predict the effect of missense changes on protein structure and function do not agree on the potential impact of this missense change (SIFT: "Tolerated"; PolyPhen-2: "Benign"; Align-GVGD: "Class C0"). This sequence change replaces threonine with arginine at codon 899 of the KCNH2 protein (p.Thr899Arg). The threonine residue is weakly conserved and there is a moderate physicochemical difference between threonine and arginine.

Literature cited by the submitters: PubMed 19841300 (cited by Labcorp Genetics (formerly Invitae), Labcorp); PubMed 25348405 (cited by Labcorp Genetics (formerly Invitae), Labcorp).

NM_000238.4(KCNH2):c.2696C>G (p.Thr899Arg)

Gene: KCNH2 (potassium voltage-gated channel subfamily H member 2; minus strand). Cytogenetic location: 7q36.1.
Variant type: single nucleotide variant.
Coding change: c.2696C>G on transcript NM_000238.4 (MANE Select); coding-DNA position 2696, C replaced by G.
Protein change: p.Thr899Arg; replaces threonine 899 with arginine.
Molecular consequence: missense variant.
Genome position (GRCh38, 1-based): chr7:150,947,875, G>C on the plus strand (C>G on the coding strand, the complement: KCNH2 is on the minus strand). VCF-style: chr7-150947875-G-C. GRCh37 (hg19) VCF-style: chr7-150644963-G-C.
Other names: c.1676C>G, p.Thr559Arg (NM_172057.3); short protein forms T559R, T899R.
Identifiers: ClinVar variation 456916 (VCV000456916.12), dbSNP rs1480554629, ClinGen allele CA369853569.